The following is an entry in ClinVar:

ClinVar aggregate classification (germline): Uncertain significance. Review status: criteria provided, multiple submitters, no conflicts (2 of 4 stars). 2 submissions from 2 submitters: Uncertain significance (2). Last evaluated 2025-08-06.

Conditions:
SLC10A1-related disorder. Also called: SLC10A1-related condition.

Allele frequency attached by ClinVar (database versions not stated): TOPMed 0.00014; gnomAD 0.00016 and 0.00019; ESP Exome Variant Server 0.00046.
gnomAD v4.1: 359 of 1,581,560 alleles (0.023%); highest among the groups gnomAD compares: Non-Finnish European, 0.028%; no homozygotes.

Submissions (2):

PreventionGenetics, part of Exact Sciences
Classification: Uncertain significance for SLC10A1-related condition. Last evaluated: 2025-08-06. Review status: criteria provided, single submitter. Criteria: ACMG Guidelines, 2015. Collection method: clinical testing. Allele origin: germline.
Comment: The SLC10A1 c.746G>A variant is predicted to result in the amino acid substitution p.Arg249Gln. To our knowledge, this variant has not been reported in the literature. An alternate missense variant at the same amino acid position (i.e. p.Arg249Trp) has been reported in the compound heterozygous state in a patient with cholestasis (Basel-Salmon et al. 2019. PubMed ID: 30377382). This variant is reported in 0.035% of alleles in individuals of European (Non-Finnish) descent in gnomAD. At this time, the clinical significance of this variant is uncertain due to the absence of conclusive functional and genetic evidence.

Eurofins Ntd Llc (ga)
Classification: Uncertain significance. Last evaluated: 2018-08-30. Review status: criteria provided, single submitter. Criteria: EGL ClinVar v180209 classification definitions. Collection method: clinical testing. Allele origin: germline. Observed: 1 variant allele, 1 heterozygote.

NM_003049.4(SLC10A1):c.746G>A (p.Arg249Gln)

Gene: SLC10A1 (solute carrier family 10 member 1; minus strand). Cytogenetic location: 14q24.1.
Variant type: single nucleotide variant.
Coding change: c.746G>A on transcript NM_003049.4 (MANE Select); coding-DNA position 746, G replaced by A.
Protein change: p.Arg249Gln; replaces arginine 249 with glutamine.
Molecular consequence: missense variant.
Genome position (GRCh38, 1-based): chr14:69,779,182, C>T on the plus strand (G>A on the coding strand, the complement: SLC10A1 is on the minus strand). VCF-style: chr14-69779182-C-T. GRCh37 (hg19) VCF-style: chr14-70245899-C-T.
Other names: c.746G>A (NM_003049.3); short protein forms R249Q.
Identifiers: ClinVar variation 598599 (VCV000598599.7), dbSNP rs140623846, ClinGen allele CA7246021.
Genomic context (GRCh38, chr14:69,779,182, plus strand): 5'-CTCCCCTCCAGCCTGGGCAACAGAGTGAGACCCTTTCTTAAAAAAAAAAAAAATACCTAC[C>T]GTCCATTGAGGCAGAAGAGAGCAGAGAGAACATAACCCAGCAGAAAGCCAATAAAAGGCA-3'
Protein context (NP_003040.1, residues 239-259): VLSALFCLNG[Arg249Gln]CRRTVSMETG